The following is an entry in ClinVar:

NM_153240.5(NPHP3):c.3003del (p.Phe1001fs)

Genes: NPHP3 (nephrocystin 3; minus strand), NPHP3-ACAD11 (NPHP3-ACAD11 readthrough (NMD candidate); minus strand). Cytogenetic location: 3q22.1.
Variant type: Deletion.
Coding change: c.3003del on transcript NM_153240.5 (MANE Select); coding-DNA position 3003, one base deleted (T; older notation c.3003delT).
Protein change: p.Phe1001fs; shifts the reading frame from phenylalanine 1001.
Molecular consequence: frameshift variant. On other transcripts: non-coding transcript variant (1).
Genome position (GRCh38, 1-based): chr3:132,688,772, A deleted on the plus strand (T on the coding strand, the reverse complement: NPHP3 is on the minus strand); the first of 3 consecutive A bases (chr3:132,688,772-132,688,774); deleting any one gives the same sequence. VCF-style (leftmost placement, unchanged base first): chr3-132688771-CA-C. GRCh37 (hg19) VCF-style: chr3-132407615-CA-C.
Other names: c.3003delT (NM_153240.4); short protein forms F1001fs.
Identifiers: ClinVar variation 853024 (VCV000853024.13), dbSNP rs1560002113, ClinGen allele CA546419855.

ClinVar aggregate classification (germline): Pathogenic. Review status: criteria provided, multiple submitters, no conflicts (2 of 4 stars). 5 submissions from 5 submitters: Pathogenic (5). Last evaluated 2025-07-31.

Conditions:
NPHP3-related Meckel-like syndrome. Also called: GOLDSTON SYNDROME; Meckel syndrome type 7. Identifiers: Orphanet 3032, MedGen C2673885, MONDO:0009966, OMIM 267010.
Renal-hepatic-pancreatic dysplasia 1 (RHPD1). Identifiers: MedGen C3715199, MONDO:0008833, OMIM 208540.
Nephronophthisis 3 (NPHP3). Also called: Adolescent nephronophthisis. Identifiers: Orphanet 655, MedGen C1858392, MONDO:0011456, OMIM 604387.
NPHP3-related disorder. Also called: NPHP3-related condition; NPHP3-related disorders. Identifiers: MedGen CN379163.
Nephronophthisis. Also called: Juvenile Nephronophthisis. Identifiers: Orphanet 655, MedGen C0687120, MONDO:0019005, HP:0000090.

Submissions (5):

Dasa
Classification: Pathogenic. Last evaluated: 2025-07-31. Review status: criteria provided, single submitter. Criteria: DASA Assertion Criteria. Collection method: clinical testing. Allele origin: germline.
Comment: NM_153240.5(NPHP3):c.3003del (p.Phe1001Leufs*61) introduces a premature termination codon predicted to result in loss of normal protein function. Loss-of-function is an established mechanism of disease for this gene. This variant has been recurrently observed in affected individuals with related phenotype in a genotype context consistent with recessive disease (PMID: 23686967; PMID: 30002499). Segregation evidence has been reported in affected families. The variant is present at low frequency in population datasets. Based on the available data, this variant is classified as pathogenic.

PreventionGenetics, part of Exact Sciences
Classification: Pathogenic for NPHP3-related condition. Last evaluated: 2024-12-01. Review status: criteria provided, single submitter. Criteria: ACMG Guidelines, 2015. Collection method: clinical testing. Allele origin: germline.
Comment: The NPHP3 c.3003delT variant is predicted to result in a frameshift and premature protein termination (p.Phe1001Leufs*61). This variant was reported with a second pathogenic variant in individuals with NPHP3-related disorders (Copelovitch et al. 2013. PubMed ID: 23686967; Supplemental Data, König et al. 2022. PubMed ID: 36090483). This variant is reported in 0.00088% of alleles in individuals of European (Non-Finnish) descent in gnomAD. Frameshift variants in NPHP3 are expected to be pathogenic. This variant is interpreted as pathogenic.

Fulgent Genetics
Classification: Pathogenic for Renal-hepatic-pancreatic dysplasia 1; NPHP3-related Meckel-like syndrome; Nephronophthisis 3. Last evaluated: 2024-06-24. Review status: criteria provided, single submitter. Criteria: ACMG Guidelines, 2015. Collection method: clinical testing. Allele origin: germline.

Blueprint Genetics
Classification: Pathogenic for NPHP3-related disorders. Last evaluated: 2023-11-13. Review status: criteria provided, single submitter. Criteria: ACMG Guidelines, 2015. Collection method: clinical testing. Allele origin: germline. Affected: yes. Observed: 5 variant alleles.

Labcorp Genetics (formerly Invitae), Labcorp
Classification: Pathogenic for Nephronophthisis. Last evaluated: 2022-02-08. Review status: criteria provided, single submitter. Criteria: Invitae Variant Classification Sherloc (09022015). Collection method: clinical testing. Allele origin: germline.
Comment: This sequence change creates a premature translational stop signal (p.Phe1001Leufs*61) in the NPHP3 gene. It is expected to result in an absent or disrupted protein product. Loss-of-function variants in NPHP3 are known to be pathogenic (PMID: 18371931, 23559409). This variant is present in population databases (no rsID available, gnomAD 0.0009%). This premature translational stop signal has been observed in individual(s) with nephronophthisis and renal-hepatic-pancreatic dysplasia (PMID: 23686967, 30002499). ClinVar contains an entry for this variant (Variation ID: 853024). For these reasons, this variant has been classified as Pathogenic.

Literature cited by the submitters: PubMed 23686967 (cited by Dasa and Labcorp Genetics (formerly Invitae), Labcorp); PubMed 30002499 (cited by Dasa and Labcorp Genetics (formerly Invitae), Labcorp); PubMed 18371931 (cited by Labcorp Genetics (formerly Invitae), Labcorp); PubMed 23559409 (cited by Labcorp Genetics (formerly Invitae), Labcorp).